The following is an entry in ClinVar:

ClinVar aggregate classification (germline): Uncertain significance (1 of 4 stars; one submission).

Conditions:
Hereditary cancer-predisposing syndrome. Also called: Neoplastic Syndromes, Hereditary; Tumor predisposition; Hereditary Cancer Syndrome; Hereditary neoplastic syndrome. Identifiers: Orphanet 140162, MedGen C0027672, MeSH D009386, MONDO:0015356.

Submission:

Ambry Genetics
Classification: Uncertain significance for Hereditary cancer-predisposing syndrome. Last evaluated: 2020-01-24. Review status: criteria provided, single submitter. Criteria: Ambry Variant Classification Scheme 2023. Collection method: clinical testing. Allele origin: germline.
Comment: The p.D715V variant (also known as c.2144A>T), located in coding exon 4 of the MSH6 gene, results from an A to T substitution at nucleotide position 2144. The aspartic acid at codon 715 is replaced by valine, an amino acid with highly dissimilar properties. This amino acid position is not well conserved in available vertebrate species. In addition, the in silico prediction for this alteration is inconclusive. Since supporting evidence is limited at this time, the clinical significance of this alteration remains unclear.

NM_000179.3(MSH6):c.2144A>T (p.Asp715Val)

Gene: MSH6 (mutS homolog 6; plus strand). Cytogenetic location: 2p16.3.
Variant type: single nucleotide variant.
Coding change: c.2144A>T on transcript NM_000179.3 (MANE Select); coding-DNA position 2144, A replaced by T.
Protein change: p.Asp715Val; replaces aspartic acid 715 with valine.
Molecular consequence: missense variant.
Genome position (GRCh38, 1-based): chr2:47,800,127, A>T. VCF-style: chr2-47800127-A-T. GRCh37 (hg19) VCF-style: chr2-48027266-A-T.
Other names: c.1754A>T, p.Asp585Val (NM_001281492.2); c.1238A>T, p.Asp413Val (NM_001281493.2, NM_001281494.2, NM_001406811.1 and 6 more transcripts); c.2240A>T, p.Asp747Val (NM_001406795.1, NM_001406802.1); c.2144A>T, p.Asp715Val (NM_001406796.1, NM_001406798.1, NM_001406800.1 and 3 more transcripts); c.1847A>T, p.Asp616Val (NM_001406797.1, NM_001406801.1, NM_001406805.1 and 10 more transcripts); c.1619A>T, p.Asp540Val (NM_001406799.1, NM_001406806.1, NM_001406807.1); c.2066A>T, p.Asp689Val (NM_001406804.1); c.2150A>T, p.Asp717Val (NM_001406813.1); and 1 more; short protein forms D616V, D659V, D689V, D717V, D585V, D540V, D715V, D413V.
Identifiers: ClinVar variation 1786627 (VCV001786627.2), dbSNP rs1669425686, ClinGen allele CA346751087.
Genomic context (GRCh38, chr2:47,800,127, plus strand): 5'-TTATTGATCAGGAGCTTTTATCAATGGCTAATTTTGAAGAATATATTCCCTTGGATTCTG[A>T]CACAGTCAGCACTACAAGATCTGGTGCTATCTTCACCAAAGCCTATCAACGAATGGTGCT-3'
Protein context (NP_000170.1, residues 705-725): NFEEYIPLDS[Asp715Val]TVSTTRSGAI